The following is an entry in ClinVar:

ClinVar aggregate classification (germline): Uncertain significance (1 of 4 stars; one submission).

Conditions:
Regional enteritis. Also called: Enteritis, Granulomatous. Identifiers: MedGen C0678202, MeSH D003424.
Blau syndrome (BLAUS). Also called: ARTHROCUTANEOUVEAL GRANULOMATOSIS; GRANULOMATOSIS, FAMILIAL JUVENILE SYSTEMIC; GRANULOMATOSIS, FAMILIAL, BLAU TYPE; GRANULOMATOUS INFLAMMATORY ARTHRITIS, DERMATITIS, AND UVEITIS, FAMILIAL; JABS SYNDROME. Identifiers: Orphanet 90340, MedGen C5201146, MONDO:0008523, OMIM 186580.

gnomAD v4.1: 7 of 1,614,054 alleles (0.00043%); highest among the groups gnomAD compares: African/African-American, 0.0053%; no homozygotes.

Submission:

Labcorp Genetics (formerly Invitae), Labcorp
Classification: Uncertain significance for Regional enteritis; Blau syndrome. Last evaluated: 2025-06-04. Review status: criteria provided, single submitter. Criteria: Invitae Variant Classification Sherloc (09022015). Collection method: clinical testing. Allele origin: germline.
Comment: This sequence change replaces proline, which is neutral and non-polar, with alanine, which is neutral and non-polar, at codon 80 of the NOD2 protein (p.Pro80Ala). This variant is present in population databases (rs370734707, gnomAD 0.004%). This variant has not been reported in the literature in individuals affected with NOD2-related conditions. Invitae Evidence Modeling of protein sequence and biophysical properties (such as structural, functional, and spatial information, amino acid conservation, physicochemical variation, residue mobility, and thermodynamic stability) indicates that this missense variant is not expected to disrupt NOD2 protein function with a negative predictive value of 95%. In summary, the available evidence is currently insufficient to determine the role of this variant in disease. Therefore, it has been classified as a Variant of Uncertain Significance.

NM_001370466.1(NOD2):c.157C>G (p.Pro53Ala)

Gene: NOD2 (nucleotide binding oligomerization domain containing 2; plus strand). Cytogenetic location: 16q12.1.
Variant type: single nucleotide variant.
Coding change: c.157C>G on transcript NM_001370466.1 (MANE Select); coding-DNA position 157, C replaced by G.
Protein change: p.Pro53Ala; replaces proline 53 with alanine.
Molecular consequence: missense variant. On other transcripts: non-coding transcript variant (1).
Genome position (GRCh38, 1-based): chr16:50,699,652, C>G. VCF-style: chr16-50699652-C-G. GRCh37 (hg19) VCF-style: chr16-50733563-C-G.
Other names: c.157C>G, p.Pro53Ala (NM_001293557.2); c.238C>G, p.Pro80Ala (NM_022162.3); short protein forms P53A, P80A.
Identifiers: ClinVar variation 4783219 (VCV004783219.1).
Genomic context (GRCh38, chr16:50,699,652, plus strand): 5'-CTGCTGTCCTGGGAGGTCCTCTCCTGGGAGGACTACGAGGGCTTCCACCTCCTGGGCCAG[C>G]CTCTCTCCCACTTGGCCAGGCGCCTTCTGGACACCGTCTGGAATAAGGGTACTTGGGCCT-3'
Protein context (NP_001357395.1, residues 43-63): DYEGFHLLGQ[Pro53Ala]LSHLARRLLD